The following is an entry in ClinVar:

NM_006648.4(WNK2):c.3697G>A (p.Val1233Met)

Gene: WNK2 (WNK lysine deficient protein kinase 2; plus strand). Cytogenetic location: 9q22.31.
Variant type: single nucleotide variant.
Coding change: c.3697G>A on transcript NM_006648.4 (MANE Select); coding-DNA position 3697, G replaced by A.
Protein change: p.Val1233Met; replaces valine 1233 with methionine.
Molecular consequence: missense variant.
Genome position (GRCh38, 1-based): chr9:93,267,746, G>A. VCF-style: chr9-93267746-G-A. GRCh37 (hg19) VCF-style: chr9-96030028-G-A.
Other names: c.3697G>A, p.Val1233Met (NM_001282394.3); short protein forms V1233M.
Identifiers: ClinVar variation 4605435 (VCV004605435.1).

ClinVar aggregate classification (germline): Uncertain significance (1 of 4 stars; one submission).

Submission:

Ambry Genetics
Classification: Uncertain significance. Last evaluated: 2025-12-14. Review status: criteria provided, single submitter. Criteria: Ambry Variant Classification Scheme 2023. Collection method: clinical testing. Allele origin: germline.
Comment: The p.V1233M variant (also known as c.3697G>A) is located in coding exon 16 of the WNK2 gene. The valine at codon 1233 is replaced by methionine, an amino acid with highly similar properties. This change occurs in the first base pair of coding exon 16. This amino acid position is conserved. In addition, this alteration is predicted to be deleterious by in silico analysis. Based on the available evidence, the clinical significance of this variant remains unclear.